The following is an entry in ClinVar:

NM_001267550.2(TTN):c.73426G>A (p.Glu24476Lys)

Genes: TTN-AS1 (TTN antisense RNA 1; plus strand), TTN (titin; minus strand). Cytogenetic location: 2q31.2.
Variant type: single nucleotide variant.
Coding change: c.73426G>A on transcript NM_001267550.2 (MANE Select); coding-DNA position 73426, G replaced by A.
Protein change: p.Glu24476Lys; replaces glutamic acid 24476 with lysine.
Molecular consequence: missense variant.
Genome position (GRCh38, 1-based): chr2:178,572,706, C>T on the plus strand (G>A on the coding strand, the complement: TTN is on the minus strand). VCF-style: chr2-178572706-C-T. GRCh37 (hg19) VCF-style: chr2-179437433-C-T.
Other names: p.E22835K:GAA>AAA; c.68503G>A, p.Glu22835Lys (NM_001256850.1); c.46231G>A, p.Glu15411Lys (NM_003319.4); c.65722G>A, p.Glu21908Lys (NM_133378.4); c.46606G>A, p.Glu15536Lys (NM_133432.3); c.46807G>A, p.Glu15603Lys (NM_133437.4); short protein forms E22835K, E24476K, E15603K, E21908K, E15411K, E15536K.
Identifiers: ClinVar variation 202849 (VCV000202849.6), dbSNP rs760487688, ClinGen allele CA310475.

ClinVar aggregate classification (germline): Conflicting classifications of pathogenicity. Review status: criteria provided, conflicting classifications (1 of 4 stars). 4 submissions from 4 submitters: Uncertain significance (3); Likely benign (1). Last evaluated 2026-04-24.

Conditions:
TTN-related disorder. Also called: TTN-related condition; TTN-related disease; TTN-related disorders.
Cardiovascular phenotype. Identifiers: MedGen CN230736.
Early-onset myopathy with fatal cardiomyopathy (CMYO5). Also called: Salih Myopathy; CONGENITAL MYOPATHY 5 WITH CARDIOMYOPATHY. Identifiers: Orphanet 289377, MedGen C2673677, MONDO:0012714, OMIM 611705. Disease mechanism: loss of function.
Dilated cardiomyopathy 1G (CMD1G). Identifiers: Orphanet 154, MedGen C1858763, MONDO:0011400, OMIM 604145.
Autosomal recessive limb-girdle muscular dystrophy type 2J (LGMDR10). Also called: Limb-girdle muscular dystrophy, type 2J; MUSCULAR DYSTROPHY, LIMB-GIRDLE, AUTOSOMAL RECESSIVE 10. Identifiers: Orphanet 140922, MedGen C1837342, MONDO:0012127, OMIM 608807.
Tibial muscular dystrophy (TMD). Also called: Tibial muscular dystrophy, tardive; Udd Distal Myopathy – Tibial Muscular Dystrophy; UDD MYOPATHY. Identifiers: Orphanet 609, MedGen C1838244, MONDO:0010870, OMIM 600334.
Myopathy, myofibrillar, 9, with early respiratory failure (MFM9). Also called: Myopathy, distal, with early respiratory failure, autosomal dominant; MYOPATHY, PROXIMAL, WITH EARLY RESPIRATORY MUSCLE INVOLVEMENT; Hereditary myopathy with early respiratory failure; EDSTROM MYOPATHY. Identifiers: Orphanet 178464, Orphanet 34521, MedGen C1863599, MONDO:0011362, OMIM 603689.
Hypertrophic cardiomyopathy 9. Also called: Familial hypertrophic cardiomyopathy 9. Identifiers: MedGen C1861065, MONDO:0013412, OMIM 613765.

Allele frequency attached by ClinVar (database versions not stated): gnomAD exomes 0.00001 and 0.00002; TOPMed 0.00001; ExAC 0.00002.
gnomAD v4.1: 16 of 1,613,394 alleles (0.00099%); highest among the groups gnomAD compares: Non-Finnish European, 0.0012%; no homozygotes.

Submissions (4):

PreventionGenetics, part of Exact Sciences
Classification: Uncertain significance for TTN-related condition. Last evaluated: 2026-04-24. Review status: criteria provided, single submitter. Criteria: ACMG Guidelines, 2015. Collection method: clinical testing. Allele origin: germline.
Comment: The TTN c.73426G>A variant is predicted to result in the amino acid substitution p.Glu24476Lys. To our knowledge, this variant has not been reported in the literature. This variant is reported in 0.011% of alleles in individuals of East Asian descent in gnomAD. At this time, the clinical significance of this variant is uncertain due to the absence of conclusive functional and genetic evidence.

Fulgent Genetics
Classification: Uncertain significance for Tibial muscular dystrophy; Myopathy, myofibrillar, 9, with early respiratory failure; Dilated cardiomyopathy 1G; Autosomal recessive limb-girdle muscular dystrophy type 2J; Early-onset myopathy with fatal cardiomyopathy; Hypertrophic cardiomyopathy 9. Last evaluated: 2021-08-03. Review status: criteria provided, single submitter. Criteria: ACMG Guidelines, 2015. Collection method: clinical testing. Allele origin: unknown.

Ambry Genetics
Classification: Likely benign for Cardiovascular phenotype. Last evaluated: 2020-05-15. Review status: criteria provided, single submitter. Criteria: Ambry Variant Classification Scheme 2023. Collection method: clinical testing. Allele origin: germline.

GeneDx
Classification: Uncertain significance. Last evaluated: 2014-11-07. Review status: criteria provided, single submitter. Criteria: GeneDx Variant Classification (06012015). Collection method: clinical testing. Allele origin: germline. Affected: yes.
Comment: Missense variants in the TTN gene are considered 'unclassified' if they are not previously reported in the literature and do not have >1% frequency in the population to be considered a polymorphism. Research indicates that truncating mutations in the TTN gene are expected to account for approximately 25% of familial and 18% of sporadic idiopathic DCM; however, truncating variants in the TTN gene have been reported in approximately 3% of reported control alleles. There has been little investigation into non-truncating variants. (Herman D et al. Truncations of titin causing dilated cardiomyopathy. N Eng J Med 366:619-628, 2012) The variant is found in CARDIOMYOPATHY panel(s).